The following is an entry in ClinVar:

ClinVar aggregate classification (germline): Pathogenic. Review status: reviewed by expert panel (3 of 4 stars). 26 submissions from 26 submitters: Pathogenic (1). 25 of the submissions do not count toward it. Last evaluated 2016-09-08.

Conditions:
BRCA2-related disorder. Also called: BRCA2-related condition; BRCA2-related disorders. Identifiers: MedGen CN239275.
Hereditary cancer-predisposing syndrome. Also called: Neoplastic Syndromes, Hereditary; Hereditary neoplastic syndrome; Hereditary Cancer Syndrome; Tumor predisposition. Identifiers: Orphanet 140162, MedGen C0027672, MeSH D009386, MONDO:0015356.
Gastric cancer. Also called: Malignant tumor of stomach; Stomach cancer. Identifiers: MedGen C0024623, MeSH D013274, MONDO:0001056, OMIM 613659, HP:0012126.
Hereditary breast ovarian cancer syndrome. Also called: Hereditary breast and ovarian cancer syndrome (HBOC); Breast and ovarian cancer; BRCA1- and BRCA2-Associated Hereditary Breast and Ovarian Cancer; Hereditary breast and ovarian cancer syndrome; Hereditary breast and ovarian cancer; Hereditary breast and/or ovarian cancer syndrome. Identifiers: Orphanet 145, MedGen C0677776, MeSH D061325, MONDO:0003582. Disease mechanism: loss of function.
Breast-ovarian cancer, familial, susceptibility to, 1 (BROVCA1). Also called: BRCA1 Hereditary Breast and Ovarian Cancer; OVARIAN CANCER, SUSCEPTIBILITY TO. Identifiers: Orphanet 145, MedGen C2676676, MONDO:0011450, OMIM 604370. Disease mechanism: loss of function.
Breast-ovarian cancer, familial, susceptibility to, 2 (BROVCA2). Also called: BRCA2 Hereditary Breast and Ovarian Cancer. Identifiers: Orphanet 145, MedGen C2675520, MONDO:0012933, OMIM 612555. Disease mechanism: loss of function.
Familial cancer of breast. Also called: Hereditary breast cancer; hereditary breast carcinoma; BREAST CANCER, FAMILIAL. Identifiers: Orphanet 227535, MedGen C0346153, MONDO:0016419, OMIM 114480. Disease mechanism: loss of function.

Submissions 1 to 10 of 26:

Evidence-based Network for the Interpretation of Germline Mutant Alleles (ENIGMA)
Classification: Pathogenic for Breast-ovarian cancer, familial, susceptibility to, 2. Last evaluated: 2016-09-08. Review status: reviewed by expert panel. Criteria: ENIGMA BRCA1/2 Classification Criteria (2015). Collection method: curation. Allele origin: germline.
Comment: Variant allele predicted to encode a truncated non-functional protein.

CeGaT Center for Human Genetics Tuebingen
Classification: Pathogenic. Last evaluated: 2026-09-01. Review status: criteria provided, single submitter. Criteria: CeGaT Center For Human Genetics Tuebingen Variant Classification Criteria Version 2. Collection method: clinical testing. Allele origin: germline. Affected: yes. Observed: 3 variant alleles. Not counted in ClinVar's aggregate classification.
Comment: BRCA2: PVS1, PM2, PS4:Moderate

GeneDx
Classification: Pathogenic. Last evaluated: 2026-08-03. Review status: criteria provided, single submitter. Criteria: GeneDx Variant Classification Process June 2021. Collection method: clinical testing. Allele origin: germline. Not counted in ClinVar's aggregate classification.
Comment: Observed in association with breast and/or ovarian cancer (PMID: 12955716, 19353265, 18821011, 19805903, 22752604, 26183948); Frameshift variant predicted to result in protein truncation or nonsense mediated decay in a gene for which loss-of-function is a known mechanism of disease; Truncating variants in this gene are considered pathogenic by a well-established clinical consortium and/or database; Not observed at significant frequency in large population cohorts (gnomAD); Also known as 6079_6082del; This variant is associated with the following publications: (PMID: 25893891, 10660329, 19353265, 18821011, 38642551, 38496821, 40578183, 33461583, 32438681, 36367610, 33754277, 33858029, 22752604, 15131399, 26183948, 26681312, 18528753, 22970155, 26187060, 19805903, 12955716, 29335924, 29084914, 29470806, 30128899, 29487695, 11920621, 30702160, 32854451, 31825140, 30787465, 31892343, 12228710)

Labcorp Genetics (formerly Invitae), Labcorp
Classification: Pathogenic for Hereditary breast ovarian cancer syndrome. Last evaluated: 2026-02-02. Review status: criteria provided, single submitter. Criteria: Invitae Variant Classification Sherloc (09022015). Collection method: clinical testing. Allele origin: germline. Not counted in ClinVar's aggregate classification.
Comment: This sequence change creates a premature translational stop signal (p.Ser1951Trpfs*11) in the BRCA2 gene. It is expected to result in an absent or disrupted protein product. Loss-of-function variants in BRCA2 are known to be pathogenic (PMID: 20104584). This variant is not present in population databases (gnomAD no frequency). This premature translational stop signal has been observed in individual(s) with breast and/or ovarian cancer (PMID: 18821011, 19805903, 22752604, 22970155, 26183948, 27882536, 29335924, 29487695). This variant is also known as 6079delAGTT. ClinVar contains an entry for this variant (Variation ID: 38001). For these reasons, this variant has been classified as Pathogenic.

Quest Diagnostics Nichols Institute San Juan Capistrano
Classification: Pathogenic. Last evaluated: 2025-10-13. Review status: criteria provided, single submitter. Criteria: Quest Diagnostics criteria. Collection method: clinical testing. Allele origin: unknown. Not counted in ClinVar's aggregate classification.
Comment: The BRCA2 c.5851_5854del (p.Ser1951Trpfs*11) variant alters the translational reading frame of the BRCA2 mRNA and causes the premature termination of BRCA2 protein synthesis. This variant has been reported in the published literature in in individuals affected with breast and/or ovarian cancer (PMID: 33471991 (2021), see also LOVD, 32854451 (2020), 30702160 (2019), 29487695 (2018), 29470806 (2018), 29335924 (2018), 29084914 (2018), 26183948 (2015)) and renal cell carcinoma (PMID: 38496821 (2024)). The frequency of this variant in the general population (Genome Aggregation Database) is consistent with pathogenicity. Based on the available information, this variant is classified as pathogenic.

GeneKor MSA
Classification: Pathogenic for Hereditary breast ovarian cancer syndrome. Last evaluated: 2025-05-15. Review status: criteria provided, single submitter. Criteria: ACMG Guidelines, 2015. Collection method: clinical testing. Allele origin: germline. Affected: yes. Not counted in ClinVar's aggregate classification.
Comment: This variant is a deletion of 4 nucleotides in exon 11 of the BRCA2 mRNA c.(5851_5854delAGTT), causing a frameshift after codon 1951 and the creation of a premature translation stop signal 11 amino acid residues later p.(Ser1951Trpfs*11). This is expected to result in an absent or disrupted protein product. Truncating variants in the BRCA2 gene are known to be pathogenic (PMID:20104584). This variant is not present in population databases (rs80359543). This sequence change is also known as 6079delAGTT and has been reported in individuals affected with breast and/or ovarian cancer (PMID:22752604, 22970155, 26183948, 29335924, 29487695, 27882536). ClinVar contains entries for this variant where is listed as pathogenic (VCV000038001.53). Based on the classification criteria set by the ACMG and AMP (PMID:25741868), this variant has been classified as pathogenic.

Ambry Genetics
Classification: Pathogenic for Hereditary cancer-predisposing syndrome. Last evaluated: 2025-02-20. Review status: criteria provided, single submitter. Criteria: Ambry Variant Classification Scheme 2023. Collection method: clinical testing. Allele origin: germline. Not counted in ClinVar's aggregate classification.
Comment: The c.5851_5854delAGTT pathogenic mutation, located in coding exon 10 of the BRCA2 gene, results from a deletion of 4 nucleotides at nucleotide positions 5851 to 5854, causing a translational frameshift with a predicted alternate stop codon (p.S1951Wfs*11). This variant has been reported in multiple breast and/or ovarian cancer families across various ethnicities (Kwong A et al. Breast Cancer Res. Treat. 2009 Oct;117:683-6; Papi L et al. Breast Cancer Res. Treat. 2009 Oct;117:497-504; Vaidyanathan K et al. J. Biosci. 2009 Sep;34:415-22; Juwle A et al. Med. Oncol. 2012 Dec;29:3272-81; Dodova RI et al. BMC Cancer. 2015 Jul;15:523; Labidi-Galy SI et al. Clin. Cancer Res. 2018 Jan;24(2):326-333; Jakimovska M et al. Breast Cancer Res. Treat. 2018 Apr;168(3):745-753; Fanale D et al. Cancers (Basel), 2020 Aug;12:; Wessman S et al. Cancers (Basel), 2021 Oct;13:). Of note, this variant is also designated as 6079_6082delAGTT and 6079delAGTT in published literature. This variant is considered to be rare based on population cohorts in the Genome Aggregation Database (gnomAD). In addition to the clinical data presented in the literature, this variant is expected to result in loss of function by premature protein truncation or nonsense-mediated mRNA decay. As such, this variant is interpreted as a disease-causing mutation.

Laboratory of Genetics, Children's Clinical University Hospital Latvia
Classification: Pathogenic. Last evaluated: 2025-02-16. Review status: criteria provided, single submitter. Criteria: ACMG Guidelines, 2015. Collection method: clinical testing. Allele origin: germline. Affected: yes. Not counted in ClinVar's aggregate classification.

Blueprint Genetics
Classification: Pathogenic for BRCA2-related disorders. Last evaluated: 2024-07-05. Review status: criteria provided, single submitter. Criteria: ACMG Guidelines, 2015. Collection method: clinical testing. Allele origin: germline. Affected: yes. Observed: 2 variant alleles. Not counted in ClinVar's aggregate classification.

Color Diagnostics, LLC DBA Color Health
Classification: Pathogenic for Hereditary cancer-predisposing syndrome. Last evaluated: 2023-06-13. Review status: criteria provided, single submitter. Criteria: ACMG Guidelines, 2015. Collection method: clinical testing. Allele origin: germline. Not counted in ClinVar's aggregate classification.
Comment: This variant deletes 4 nucleotides in exon 11 of the BRCA2 gene, creating a frameshift and premature translation stop signal. This variant is expected to result in an absent or non-functional protein product. This variant has been reported in individuals affected with breast and ovarian cancer (PMID: 12955716, 18821011, 25186627, 26183948, 27153395, 27882536, 29487695, 29335924, 29470806, 30430080, 32438681, 32854451, 33471991, 34101484, 34680387, DOI: DOI 10.1515/tjb-2019-0424, Leiden Open Variation Database DB-ID BRCA2_002145, Color internal data). This variant has not been identified in the general population by the Genome Aggregation Database (gnomAD). Loss of BRCA2 function is a known mechanism of disease. Based on the available evidence, this variant is classified as Pathogenic.

NM_000059.4(BRCA2):c.5851_5854del (p.Ser1951fs)

Gene: BRCA2 (BRCA2 DNA repair associated; plus strand). Cytogenetic location: 13q13.1.
Variant type: Deletion.
Coding change: c.5851_5854del on transcript NM_000059.4 (MANE Select); coding-DNA positions 5851 to 5854, 4 bases deleted (AGTT; older notation c.5851_5854delAGTT).
Protein change: p.Ser1951fs; shifts the reading frame from serine 1951.
Molecular consequence: frameshift variant.
Genome position (GRCh38, 1-based): chr13:32,340,206-32,340,209, AGTT deleted; deleting any 4 consecutive bases within chr13:32,340,203-32,340,209 gives the same sequence; the c. name uses the placement nearest the transcript's 3' end. VCF-style (leftmost placement, unchanged base first): chr13-32340202-TGTTA-T. GRCh37 (hg19) VCF-style: chr13-32914339-TGTTA-T.
Other names: 6076del4; 6079del4; c.5851_5854delAGTT (NM_000059.3).
Identifiers: ClinVar variation 38001 (VCV000038001.66), dbSNP rs80359543, ClinGen allele CA023297.